The following is an entry in ClinVar:

ClinVar aggregate classification (germline): Benign (1 of 4 stars; one submission).

Conditions:
Colorectal cancer, susceptibility to, 1. Also called: COLORECTAL ADENOMA AND CANCER, SUSCEPTIBILITY TO; COLORECTAL CANCER, SUSCEPTIBILITY TO, ON CHROMOSOME 9. Identifiers: MedGen C1837315, MONDO:0012132, OMIM 608812.

Submission:

Myriad Genetics, Inc.
Classification: Benign for Colorectal cancer, susceptibility to, 1. Last evaluated: 2026-04-23. Review status: criteria provided, single submitter. Criteria: Myriad Autosomal Dominant, Autosomal Recessive and X-Linked Classification Criteria (2023). Collection method: clinical testing. Allele origin: unknown.
Comment: This variant is considered benign. This variant is a silent/synonymous amino acid change and it is not expected to impact splicing.

NM_024642.5(GALNT12):c.342C>T (p.His114=)

Gene: GALNT12 (polypeptide N-acetylgalactosaminyltransferase 12; plus strand). Cytogenetic location: 9q22.33.
Variant type: single nucleotide variant.
Coding change: c.342C>T on transcript NM_024642.5 (MANE Select); coding-DNA position 342, C replaced by T.
Protein change: p.His114=; no amino-acid change (histidine 114 retained).
Molecular consequence: synonymous variant.
Genome position (GRCh38, 1-based): chr9:98,808,040, C>T. VCF-style: chr9-98808040-C-T. GRCh37 (hg19) VCF-style: chr9-101570322-C-T.
Identifiers: ClinVar variation 4876138 (VCV004876138.1).